The following is an entry in ClinVar:

ClinVar aggregate classification (germline): Uncertain significance (1 of 4 stars; one submission).

Conditions:
Primary ciliary dyskinesia. Also called: Ciliary dyskinesia. Identifiers: Orphanet 244, MedGen C0008780, MONDO:0016575, HP:0012265.

Submission:

Labcorp Genetics (formerly Invitae), Labcorp
Classification: Uncertain significance for Primary ciliary dyskinesia. Last evaluated: 2025-01-26. Review status: criteria provided, single submitter. Criteria: Invitae Variant Classification Sherloc (09022015). Collection method: clinical testing. Allele origin: germline.
Comment: This variant, c.3051_3065del, results in the deletion of 5 amino acid(s) of the RPGR (ORF15) protein (p.Glu1018_Glu1022del), but otherwise preserves the integrity of the reading frame. The frequency data for this variant in the population databases is considered unreliable, as metrics indicate poor data quality at this position in the gnomAD database. This variant has not been reported in the literature in individuals affected with RPGR (ORF15)-related conditions. ClinVar contains an entry for this variant (Variation ID: 1986640). Experimental studies and prediction algorithms are not available or were not evaluated, and the functional significance of this variant is currently unknown. In summary, the available evidence is currently insufficient to determine the role of this variant in disease. Therefore, it has been classified as a Variant of Uncertain Significance.

NM_001034853.2(RPGR):c.3051_3065del (p.Glu1018_Glu1022del)

Gene: RPGR (retinitis pigmentosa GTPase regulator; minus strand). Cytogenetic location: Xp11.4.
Variant type: Deletion.
Coding change: c.3051_3065del on transcript NM_001034853.2 (MANE Select); coding-DNA positions 3051 to 3065, 15 bases deleted (GGAAGGGGAAGTGGA).
Protein change: p.Glu1018_Glu1022del.
Molecular consequence: inframe deletion. On other transcripts: intron variant (8).
Genome position (GRCh38, 1-based): chrX:38,285,934-38,285,948, TCCACTTCCCCTTCC deleted on the plus strand (GGAAGGGGAAGTGGA on the coding strand, the reverse complement: RPGR is on the minus strand); deleting any 15 consecutive bases within chrX:38,285,934-38,285,950 gives the same sequence; the c. name uses the placement nearest the transcript's 3' end. VCF-style (leftmost placement, unchanged base first): chrX-38285933-TTCCACTTCCCCTTCC-T. GRCh37 (hg19) VCF-style: chrX-38145186-TTCCACTTCCCCTTCC-T.
Other names: c.1569+5011_1569+5025del (NM_001367249.1, NM_001367250.1); c.1902+1146_1902+1160del (NM_001367245.1); c.1386+5011_1386+5025del (NM_001367251.1); c.1719+1146_1719+1160del (NM_001367246.1); c.1572+5011_1572+5025del (NM_001367247.1); c.1905+1146_1905+1160del (NM_000328.3); c.1602+5011_1602+5025del (NM_001367248.1).
Identifiers: ClinVar variation 1986640 (VCV001986640.4), dbSNP rs1300993775, ClinGen allele CA640955011.
Genomic context (GRCh38, chrX:38,285,933, plus strand): 5'-TTCCTCCTCTCCTTCCTCTTCCTCTCCTTCCCCCTCTCCTTCCTCCCCTTCCACCTCCCC[TTCCACTTCCCCTTCC>T]TCTTCTTCCTCCCCTTCTCCCTCCCCTTCTTCCTCTCCCTCTCCTTCTTCCTCCCCTTCT-3'